The following is an entry in ClinVar:

ClinVar aggregate classification (germline): Uncertain significance (1 of 4 stars; one submission).

Conditions:
Cardiovascular phenotype. Identifiers: MedGen CN230736.

Allele frequency attached by ClinVar (database versions not stated): gnomAD exomes below 0.00001; TOPMed below 0.00001; gnomAD 0.00001.
gnomAD v4.1: 7 of 1,550,066 alleles (0.00045%); highest among the groups gnomAD compares: Non-Finnish European, 0.00061%; no homozygotes.

Submission:

Ambry Genetics
Classification: Uncertain significance for Cardiovascular phenotype. Last evaluated: 2022-07-08. Review status: criteria provided, single submitter. Criteria: Ambry Variant Classification Scheme 2023. Collection method: clinical testing. Allele origin: germline.
Comment: The p.V1936G variant (also known as c.5807T>G), located in coding exon 2 of the ZNF469 gene, results from a T to G substitution at nucleotide position 5807. The valine at codon 1936 is replaced by glycine, an amino acid with dissimilar properties. This amino acid position is conserved. In addition, this alteration is predicted to be tolerated by in silico analysis. Since supporting evidence is limited at this time, the clinical significance of this alteration remains unclear.

NM_001367624.2(ZNF469):c.5891T>G (p.Val1964Gly)

Gene: ZNF469 (zinc finger protein 469; plus strand). Cytogenetic location: 16q24.2.
Variant type: single nucleotide variant.
Coding change: c.5891T>G on transcript NM_001367624.2 (MANE Select); coding-DNA position 5891, T replaced by G.
Protein change: p.Val1964Gly; replaces valine 1964 with glycine.
Molecular consequence: missense variant.
Genome position (GRCh38, 1-based): chr16:88,433,361, T>G. VCF-style: chr16-88433361-T-G. GRCh37 (hg19) VCF-style: chr16-88499769-T-G.
Other names: NM_001127464.1:c.5807T>G; short protein forms V1964G.
Identifiers: ClinVar variation 1749817 (VCV001749817.2), dbSNP rs1906337450, ClinGen allele CA397102947.